The following is an entry in ClinVar:

ClinVar aggregate classification (germline): Uncertain significance (1 of 4 stars; one submission).

Allele frequency attached by ClinVar (database versions not stated): gnomAD 0.00001; gnomAD exomes 0.00001; TOPMed 0.00001; ExAC 0.00002.
gnomAD v4.1: 10 of 1,612,644 alleles (0.00062%); highest among the groups gnomAD compares: Middle Eastern, 0.017%; no homozygotes.

Submission:

Labcorp Genetics (formerly Invitae), Labcorp
Classification: Uncertain significance. Last evaluated: 2022-01-17. Review status: criteria provided, single submitter. Criteria: Invitae Variant Classification Sherloc (09022015). Collection method: clinical testing. Allele origin: germline.
Comment: This sequence change falls in intron 23 of the PTPN23 gene. It does not directly change the encoded amino acid sequence of the PTPN23 protein. It affects a nucleotide within the consensus splice site. This variant has not been reported in the literature in individuals affected with PTPN23-related conditions. This variant is present in population databases (rs760608649, gnomAD 0.003%). In summary, the available evidence is currently insufficient to determine the role of this variant in disease. Therefore, it has been classified as a Variant of Uncertain Significance. Variants that disrupt the consensus splice site are a relatively common cause of aberrant splicing (PMID: 17576681, 9536098). Algorithms developed to predict the effect of sequence changes on RNA splicing suggest that this variant may disrupt the consensus splice site.

Literature cited by the submitters: PubMed 17576681; PubMed 9536098.

NM_015466.4(PTPN23):c.4317+5G>A

Gene: PTPN23 (protein tyrosine phosphatase non-receptor type 23; plus strand). Cytogenetic location: 3p21.31.
Variant type: single nucleotide variant.
Coding change: c.4317+5G>A on transcript NM_015466.4 (MANE Select); 5 bases into the intron after coding-DNA position 4317, G replaced by A.
Molecular consequence: intron variant.
Genome position (GRCh38, 1-based): chr3:47,412,426, G>A. VCF-style: chr3-47412426-G-A. GRCh37 (hg19) VCF-style: chr3-47453916-G-A.
Other names: c.3939+5G>A (NM_001304482.2).
Identifiers: ClinVar variation 1905157 (VCV001905157.5), dbSNP rs760608649, ClinGen allele CA2366550.